The following is an entry in ClinVar:

ClinVar aggregate classification (germline): Uncertain significance (1 of 4 stars; one submission).

Allele frequency attached by ClinVar (database versions not stated): gnomAD exomes below 0.00001; TOPMed below 0.00001.
gnomAD v4.1: 4 of 1,613,952 alleles (0.00025%); highest among the groups gnomAD compares: Non-Finnish European, 0.00034%; no homozygotes.

Submission:

Labcorp Genetics (formerly Invitae), Labcorp
Classification: Uncertain significance. Last evaluated: 2023-12-18. Review status: criteria provided, single submitter. Criteria: Invitae Variant Classification Sherloc (09022015). Collection method: clinical testing. Allele origin: germline.
Comment: This sequence change replaces glycine, which is neutral and non-polar, with aspartic acid, which is acidic and polar, at codon 223 of the CACNA1D protein (p.Gly223Asp). This variant is not present in population databases (gnomAD no frequency). This variant has not been reported in the literature in individuals affected with CACNA1D-related conditions. An algorithm developed to predict the effect of missense changes on protein structure and function (PolyPhen-2) suggests that this variant is likely to be tolerated. In summary, the available evidence is currently insufficient to determine the role of this variant in disease. Therefore, it has been classified as a Variant of Uncertain Significance.

NM_001128840.3(CACNA1D):c.668G>A (p.Gly223Asp)

Gene: CACNA1D (calcium voltage-gated channel subunit alpha1 D; plus strand). Cytogenetic location: 3p21.1.
Variant type: single nucleotide variant.
Coding change: c.668G>A on transcript NM_001128840.3 (MANE Select); coding-DNA position 668, G replaced by A.
Protein change: p.Gly223Asp; replaces glycine 223 with aspartic acid.
Molecular consequence: missense variant.
Genome position (GRCh38, 1-based): chr3:53,660,177, G>A. VCF-style: chr3-53660177-G-A. GRCh37 (hg19) VCF-style: chr3-53694204-G-A.
Other names: c.668G>A, p.Gly223Asp (NM_000720.4, NM_001128839.3); short protein forms G223D.
Identifiers: ClinVar variation 2997908 (VCV002997908.3), dbSNP rs2094189678, ClinGen allele CA353382459.